The following is an entry in ClinVar:

NM_001999.4(FBN2):c.1489A>G (p.Ile497Val)

Gene: FBN2 (fibrillin 2; minus strand). Cytogenetic location: 5q23.3.
Variant type: single nucleotide variant.
Coding change: c.1489A>G on transcript NM_001999.4 (MANE Select); coding-DNA position 1489, A replaced by G.
Protein change: p.Ile497Val; replaces isoleucine 497 with valine.
Molecular consequence: missense variant.
Genome position (GRCh38, 1-based): chr5:128,392,132, T>C on the plus strand (A>G on the coding strand, the complement: FBN2 is on the minus strand). VCF-style: chr5-128392132-T-C. GRCh37 (hg19) VCF-style: chr5-127727825-T-C.
Other names: short protein forms I497V.
Identifiers: ClinVar variation 1998384 (VCV001998384.4), dbSNP rs2479433263, ClinGen allele CA360748064.

ClinVar aggregate classification (germline): Uncertain significance (1 of 4 stars; one submission).

Conditions:
Congenital contractural arachnodactyly (CCA). Also called: BEALS SYNDROME; Arthrogryposis, distal, type 9; Beals-Hecht syndrome. Identifiers: Orphanet 115, MedGen C0220668, MONDO:0007363, OMIM 121050.

Allele frequency attached by ClinVar (database versions not stated): gnomAD exomes below 0.00001.
gnomAD v4.1: 1 of 1,613,652 alleles (0.000062%); highest among the groups gnomAD compares: Non-Finnish European, 0.000085%; no homozygotes.

Submission:

Labcorp Genetics (formerly Invitae), Labcorp
Classification: Uncertain significance for Congenital contractural arachnodactyly. Last evaluated: 2022-05-24. Review status: criteria provided, single submitter. Criteria: Invitae Variant Classification Sherloc (09022015). Collection method: clinical testing. Allele origin: germline.
Comment: In summary, the available evidence is currently insufficient to determine the role of this variant in disease. Therefore, it has been classified as a Variant of Uncertain Significance. Advanced modeling of protein sequence and biophysical properties (such as structural, functional, and spatial information, amino acid conservation, physicochemical variation, residue mobility, and thermodynamic stability) performed at Invitae indicates that this missense variant is not expected to disrupt FBN2 protein function. This variant has not been reported in the literature in individuals affected with FBN2-related conditions. This variant is not present in population databases (gnomAD no frequency). This sequence change replaces isoleucine, which is neutral and non-polar, with valine, which is neutral and non-polar, at codon 497 of the FBN2 protein (p.Ile497Val).